The following is an entry in ClinVar:

NM_031935.3(HMCN1):c.11684-13G>A

Gene: HMCN1 (hemicentin 1; plus strand). Cytogenetic location: 1q31.1.
Variant type: single nucleotide variant.
Coding change: c.11684-13G>A on transcript NM_031935.3 (MANE Select); 13 bases into the intron before coding-DNA position 11684, G replaced by A.
Molecular consequence: intron variant.
Genome position (GRCh38, 1-based): chr1:186,117,446, G>A. VCF-style: chr1-186117446-G-A. GRCh37 (hg19) VCF-style: chr1-186086578-G-A.
Identifiers: ClinVar variation 294231 (VCV000294231.16), dbSNP rs10157742, ClinGen allele CA1294129.

ClinVar aggregate classification (germline): Benign. Review status: criteria provided, multiple submitters, no conflicts (2 of 4 stars). 4 submissions from 4 submitters: Benign (4). Last evaluated 2026-02-03.

Conditions:
Age related macular degeneration 1 (ARMD1). Also called: MACULOPATHY, AGE-RELATED, 1. Identifiers: MedGen C1864205, MONDO:0011285, OMIM 603075.

Allele frequency attached by ClinVar (database versions not stated): gnomAD exomes 0.52307 and 0.57595; ESP Exome Variant Server 0.63263; gnomAD 0.63763 and 0.64202; TOPMed 0.65842; 1000 Genomes Project 0.67552; 1000 Genomes Project 30x 0.68910.
gnomAD v4.1: 859,522 of 1,607,380 alleles (53%); highest among the groups gnomAD compares: African/African-American, 91%; 237,965 homozygotes.

Submissions (4):

Labcorp Genetics (formerly Invitae), Labcorp
Classification: Benign. Last evaluated: 2026-02-03. Review status: criteria provided, single submitter. Criteria: Invitae Variant Classification Sherloc (09022015). Collection method: clinical testing. Allele origin: germline.

Genome-Nilou Lab
Classification: Benign for Age related macular degeneration 1. Last evaluated: 2023-04-11. Review status: criteria provided, single submitter. Criteria: ACMG Guidelines, 2015. Collection method: clinical testing. Allele origin: germline. Affected: no.

Illumina Laboratory Services, Illumina
Classification: Benign for Age related macular degeneration 1. Last evaluated: 2018-01-12. Review status: criteria provided, single submitter. Criteria: ICSL Variant Classification Criteria 13 December 2019. Collection method: clinical testing. Allele origin: germline.
Comment: This variant was observed in the ICSL laboratory as part of a predisposition screen in an ostensibly healthy population. It had not been previously curated by ICSL or reported in the Human Gene Mutation Database (HGMD: prior to June 1st, 2018), and was therefore a candidate for classification through an automated scoring system. Utilizing variant allele frequency, disease prevalence and penetrance estimates, and inheritance mode, an automated score was calculated to assess if this variant is too frequent to cause the disease. Based on the score and internal cut-off values, a variant classified as benign is not then subjected to further curation. The score for this variant resulted in a classification of benign for this disease.

Breakthrough Genomics
Classification: Benign. Review status: criteria provided, single submitter. Criteria: ACMG Guidelines, 2015. Collection method: not provided. Allele origin: germline. Inheritance: Autosomal dominant inheritance. Affected: yes.